The following is an entry in ClinVar:

ClinVar aggregate classification (germline): Uncertain significance. Review status: criteria provided, multiple submitters, no conflicts (2 of 4 stars). 3 submissions from 3 submitters: Uncertain significance (3). Last evaluated 2026-02-26.

Conditions:
Familial thoracic aortic aneurysm and aortic dissection (TAAD). Also called: Thoracic aortic aneurysms and dissections. Identifiers: Orphanet 91387, MedGen C4707243, MONDO:0019625.
FG syndrome (FGS). Identifiers: MedGen C0220769, MONDO:0002010.

Allele frequency attached by ClinVar (database versions not stated): gnomAD exomes below 0.00001.
gnomAD v4.1: 3 of 1,210,430 alleles (0.00025%); highest among the groups gnomAD compares: Non-Finnish European, 0.00034%; no homozygotes.

Submissions (3):

GeneDx
Classification: Uncertain significance. Last evaluated: 2026-02-26. Review status: criteria provided, single submitter. Criteria: GeneDx Variant Classification Process June 2021. Collection method: clinical testing. Allele origin: germline.
Comment: Not observed at significant frequency in large population cohorts (gnomAD); In silico analysis supports that this missense variant does not alter protein structure/function; Has not been previously published as pathogenic or benign to our knowledge

Ambry Genetics
Classification: Uncertain significance for Familial thoracic aortic aneurysm and aortic dissection. Last evaluated: 2025-04-12. Review status: criteria provided, single submitter. Criteria: Ambry Variant Classification Scheme 2023. Collection method: clinical testing. Allele origin: germline.
Comment: The p.P670H variant (also known as c.2009C>A), located in coding exon 14 of the MED12 gene, results from a C to A substitution at nucleotide position 2009. The proline at codon 670 is replaced by histidine, an amino acid with similar properties. This amino acid position is conserved. In addition, this alteration is predicted to be tolerated by in silico analysis. Based on the available evidence, the clinical significance of this variant remains unclear.

Labcorp Genetics (formerly Invitae), Labcorp
Classification: Uncertain significance for FG syndrome. Last evaluated: 2024-12-18. Review status: criteria provided, single submitter. Criteria: Invitae Variant Classification Sherloc (09022015). Collection method: clinical testing. Allele origin: germline.
Comment: This sequence change replaces proline, which is neutral and non-polar, with histidine, which is basic and polar, at codon 670 of the MED12 protein (p.Pro670His). This variant is not present in population databases (gnomAD no frequency). This variant has not been reported in the literature in individuals affected with MED12-related conditions. ClinVar contains an entry for this variant (Variation ID: 2190480). Invitae Evidence Modeling of protein sequence and biophysical properties (such as structural, functional, and spatial information, amino acid conservation, physicochemical variation, residue mobility, and thermodynamic stability) indicates that this missense variant is not expected to disrupt MED12 protein function with a negative predictive value of 95%. In summary, the available evidence is currently insufficient to determine the role of this variant in disease. Therefore, it has been classified as a Variant of Uncertain Significance.

NM_005120.3(MED12):c.2009C>A (p.Pro670His)

Gene: MED12 (mediator complex subunit 12; plus strand). Cytogenetic location: Xq13.1.
Variant type: single nucleotide variant.
Coding change: c.2009C>A on transcript NM_005120.3 (MANE Select); coding-DNA position 2009, C replaced by A.
Protein change: p.Pro670His; replaces proline 670 with histidine.
Molecular consequence: missense variant.
Genome position (GRCh38, 1-based): chrX:71,124,798, C>A. VCF-style: chrX-71124798-C-A. GRCh37 (hg19) VCF-style: chrX-70344648-C-A.
Other names: c.2009C>A (NM_005120.2); short protein forms P670H.
Identifiers: ClinVar variation 2190480 (VCV002190480.7), dbSNP rs2519677014, ClinGen allele CA413510585.